The following is an entry in ClinVar:

NM_005032.7(PLS3):c.770A>G (p.Asp257Gly)

Gene: PLS3 (plastin 3; plus strand). Cytogenetic location: Xq23.
Variant type: single nucleotide variant.
Coding change: c.770A>G on transcript NM_005032.7 (MANE Select); coding-DNA position 770, A replaced by G.
Protein change: p.Asp257Gly; replaces aspartic acid 257 with glycine.
Molecular consequence: missense variant.
Genome position (GRCh38, 1-based): chrX:115,636,857, A>G. VCF-style: chrX-115636857-A-G. GRCh37 (hg19) VCF-style: chrX-114871169-A-G.
Other names: c.770A>G, p.Asp257Gly (NM_001136025.5); c.689A>G, p.Asp230Gly (NM_001172335.3); c.704A>G, p.Asp235Gly (NM_001282337.2); c.635A>G, p.Asp212Gly (NM_001282338.2); short protein forms D212G, D235G, D257G, D230G.
Identifiers: ClinVar variation 3663062 (VCV003663062.3).

ClinVar aggregate classification (germline): Uncertain significance (1 of 4 stars; one submission).

Submissions (2):

Labcorp Genetics (formerly Invitae), Labcorp
Classification: Uncertain significance. Last evaluated: 2024-08-23. Review status: criteria provided, single submitter. Criteria: Invitae Variant Classification Sherloc (09022015). Collection method: clinical testing. Allele origin: germline.
Comment: This sequence change replaces aspartic acid, which is acidic and polar, with glycine, which is neutral and non-polar, at codon 257 of the PLS3 protein (p.Asp257Gly). This variant is not present in population databases (gnomAD no frequency). This variant has not been reported in the literature in individuals affected with PLS3-related conditions. Invitae Evidence Modeling of protein sequence and biophysical properties (such as structural, functional, and spatial information, amino acid conservation, physicochemical variation, residue mobility, and thermodynamic stability) indicates that this missense variant is not expected to disrupt PLS3 protein function with a negative predictive value of 80%. In summary, the available evidence is currently insufficient to determine the role of this variant in disease. Therefore, it has been classified as a Variant of Uncertain Significance.

Dr. Peter K. Rogan Lab, Western University
No classification provided (evidence only). Condition: Thyroid cancer, nonmedullary, 1. Review status: no classification provided. Collection method: in vitro. Allele origin: not applicable. Functional consequence: retained intron. Not counted in ClinVar's aggregate classification.